The following is an entry in ClinVar:

NM_002941.4(ROBO1):c.1906G>A (p.Ala636Thr)

Gene: ROBO1 (roundabout guidance receptor 1; minus strand). Cytogenetic location: 3p12.3.
Variant type: single nucleotide variant.
Coding change: c.1906G>A on transcript NM_002941.4 (MANE Select); coding-DNA position 1906, G replaced by A.
Protein change: p.Ala636Thr; replaces alanine 636 with threonine.
Molecular consequence: missense variant.
Genome position (GRCh38, 1-based): chr3:78,667,943, C>T on the plus strand (G>A on the coding strand, the complement: ROBO1 is on the minus strand). VCF-style: chr3-78667943-C-T. GRCh37 (hg19) VCF-style: chr3-78717093-C-T.
Other names: c.1798G>A, p.Ala600Thr (NM_001145844.1, NM_001145845.2, NM_133631.4); c.1906G>A (NM_002941.3); short protein forms A600T, A636T.
Identifiers: ClinVar variation 2753033 (VCV002753033.3), dbSNP rs755383278, ClinGen allele CA2498829.

ClinVar aggregate classification (germline): Uncertain significance. Review status: criteria provided, multiple submitters, no conflicts (2 of 4 stars). 2 submissions from 2 submitters: Uncertain significance (2). Last evaluated 2026-08-19.

Conditions:
ROBO1-related disorder. Also called: ROBO1-related condition.

Allele frequency attached by ClinVar (database versions not stated): TOPMed below 0.00001; gnomAD exomes 0.00001; ExAC 0.00003.
gnomAD v4.1: 6 of 1,613,742 alleles (0.00037%); highest among the groups gnomAD compares: Admixed American, 0.01%; no homozygotes.

Submissions (2):

PreventionGenetics, part of Exact Sciences
Classification: Uncertain significance for ROBO1-related condition. Last evaluated: 2026-08-19. Review status: criteria provided, single submitter. Criteria: ACMG Guidelines, 2015. Collection method: clinical testing. Allele origin: germline.
Comment: The ROBO1 c.1906G>A variant is predicted to result in the amino acid substitution p.Ala636Thr. To our knowledge, this variant has not been reported in the literature. This variant is reported in 0.015% of alleles in individuals of Latino descent in gnomAD. At this time, the clinical significance of this variant is uncertain due to the absence of conclusive functional and genetic evidence.

Labcorp Genetics (formerly Invitae), Labcorp
Classification: Uncertain significance. Last evaluated: 2025-04-11. Review status: criteria provided, single submitter. Criteria: Invitae Variant Classification Sherloc (09022015). Collection method: clinical testing. Allele origin: germline.
Comment: This sequence change replaces alanine, which is neutral and non-polar, with threonine, which is neutral and polar, at codon 636 of the ROBO1 protein (p.Ala636Thr). This variant is present in population databases (rs755383278, gnomAD 0.01%). This variant has not been reported in the literature in individuals affected with ROBO1-related conditions. ClinVar contains an entry for this variant (Variation ID: 2753033). Invitae Evidence Modeling of protein sequence and biophysical properties (such as structural, functional, and spatial information, amino acid conservation, physicochemical variation, residue mobility, and thermodynamic stability) indicates that this missense variant is expected to disrupt ROBO1 protein function with a positive predictive value of 95%. In summary, the available evidence is currently insufficient to determine the role of this variant in disease. Therefore, it has been classified as a Variant of Uncertain Significance.